The following is an entry in ClinVar:

ClinVar aggregate classification (germline): Uncertain significance (1 of 4 stars; one submission).

Conditions:
DOCK2 deficiency. Also called: Immunodeficiency 40. Identifiers: Orphanet 447737, MedGen C4225328, MONDO:0014637, OMIM 616433.

Submission:

Labcorp Genetics (formerly Invitae), Labcorp
Classification: Uncertain significance for DOCK2 deficiency. Last evaluated: 2022-04-07. Review status: criteria provided, single submitter. Criteria: Invitae Variant Classification Sherloc (09022015). Collection method: clinical testing. Allele origin: germline.
Comment: This variant has not been reported in the literature in individuals affected with DOCK2-related conditions. In summary, the available evidence is currently insufficient to determine the role of this variant in disease. Therefore, it has been classified as a Variant of Uncertain Significance. Algorithms developed to predict the effect of missense changes on protein structure and function (SIFT, PolyPhen-2, Align-GVGD) all suggest that this variant is likely to be tolerated. This variant is not present in population databases (gnomAD no frequency). This sequence change replaces asparagine, which is neutral and polar, with serine, which is neutral and polar, at codon 462 of the DOCK2 protein (p.Asn462Ser).

NM_004946.3(DOCK2):c.1385A>G (p.Asn462Ser)

Gene: DOCK2 (dedicator of cytokinesis 2; plus strand). Cytogenetic location: 5q35.1.
Variant type: single nucleotide variant.
Coding change: c.1385A>G on transcript NM_004946.3 (MANE Select); coding-DNA position 1385, A replaced by G.
Protein change: p.Asn462Ser; replaces asparagine 462 with serine.
Molecular consequence: missense variant. On other transcripts: non-coding transcript variant (1).
Genome position (GRCh38, 1-based): chr5:169,708,170, A>G. VCF-style: chr5-169708170-A-G. GRCh37 (hg19) VCF-style: chr5-169135174-A-G.
Other names: short protein forms N462S.
Identifiers: ClinVar variation 1983188 (VCV001983188.4), dbSNP rs2532599855, ClinGen allele CA362106443.